The following is an entry in ClinVar:

NM_001008537.3(NEXMIF):c.1166G>A (p.Gly389Glu)

Gene: NEXMIF (neurite extension and migration factor; minus strand). Cytogenetic location: Xq13.3.
Variant type: single nucleotide variant.
Coding change: c.1166G>A on transcript NM_001008537.3 (MANE Select); coding-DNA position 1166, G replaced by A.
Protein change: p.Gly389Glu; replaces glycine 389 with glutamic acid.
Molecular consequence: missense variant.
Genome position (GRCh38, 1-based): chrX:74,743,391, C>T on the plus strand (G>A on the coding strand, the complement: NEXMIF is on the minus strand). VCF-style: chrX-74743391-C-T. GRCh37 (hg19) VCF-style: chrX-73963226-C-T.
Other names: short protein forms G389E.
Identifiers: ClinVar variation 1044370 (VCV001044370.10), dbSNP rs974217155, ClinGen allele CA331301793.

ClinVar aggregate classification (germline): Uncertain significance. Review status: criteria provided, multiple submitters, no conflicts (2 of 4 stars). 2 submissions from 2 submitters: Uncertain significance (2). Last evaluated 2024-08-15.

Allele frequency attached by ClinVar (database versions not stated): gnomAD exomes below 0.00001; gnomAD 0.00001; TOPMed 0.00001.

Submissions (2):

Labcorp Genetics (formerly Invitae), Labcorp
Classification: Uncertain significance. Last evaluated: 2024-08-15. Review status: criteria provided, single submitter. Criteria: Invitae Variant Classification Sherloc (09022015). Collection method: clinical testing. Allele origin: germline.
Comment: This sequence change replaces glycine, which is neutral and non-polar, with glutamic acid, which is acidic and polar, at codon 389 of the NEXMIF protein (p.Gly389Glu). This variant is not present in population databases (gnomAD no frequency). This variant has not been reported in the literature in individuals affected with NEXMIF-related conditions. ClinVar contains an entry for this variant (Variation ID: 1044370). An algorithm developed to predict the effect of missense changes on protein structure and function outputs the following: PolyPhen-2: "Benign". The glutamic acid amino acid residue is found in multiple mammalian species, which suggests that this missense change does not adversely affect protein function. In summary, the available evidence is currently insufficient to determine the role of this variant in disease. Therefore, it has been classified as a Variant of Uncertain Significance.

GeneDx
Classification: Uncertain significance. Last evaluated: 2022-03-17. Review status: criteria provided, single submitter. Criteria: GeneDx Variant Classification Process June 2021. Collection method: clinical testing. Allele origin: germline. Affected: yes.
Comment: Not observed at significant frequency in large population cohorts (gnomAD); In silico analysis supports that this missense variant does not alter protein structure/function; Has not been previously published as pathogenic or benign to our knowledge